The following is an entry in ClinVar:

ClinVar aggregate classification (germline): Conflicting classifications of pathogenicity. Review status: criteria provided, conflicting classifications (1 of 4 stars). 9 submissions from 5 submitters: Uncertain significance (5); Benign (2); Likely benign (2). Last evaluated 2025-11-09.

Conditions:
Dilated cardiomyopathy 1G (CMD1G). Identifiers: Orphanet 154, MedGen C1858763, MONDO:0011400, OMIM 604145.
Cardiovascular phenotype. Identifiers: MedGen CN230736.
Autosomal recessive limb-girdle muscular dystrophy type 2J (LGMDR10). Also called: MUSCULAR DYSTROPHY, LIMB-GIRDLE, AUTOSOMAL RECESSIVE 10; Limb-girdle muscular dystrophy, type 2J. Identifiers: Orphanet 140922, MedGen C1837342, MONDO:0012127, OMIM 608807.
Early-onset myopathy with fatal cardiomyopathy (CMYO5). Also called: CONGENITAL MYOPATHY 5 WITH CARDIOMYOPATHY; Salih Myopathy. Identifiers: Orphanet 289377, MedGen C2673677, MONDO:0012714, OMIM 611705. Disease mechanism: loss of function.
Myopathy, myofibrillar, 9, with early respiratory failure (MFM9). Also called: Myopathy, distal, with early respiratory failure, autosomal dominant; Hereditary myopathy with early respiratory failure; EDSTROM MYOPATHY; MYOPATHY, PROXIMAL, WITH EARLY RESPIRATORY MUSCLE INVOLVEMENT. Identifiers: Orphanet 178464, Orphanet 34521, MedGen C1863599, MONDO:0011362, OMIM 603689.
Tibial muscular dystrophy (TMD). Also called: Udd Distal Myopathy – Tibial Muscular Dystrophy; UDD MYOPATHY; Tibial muscular dystrophy, tardive. Identifiers: Orphanet 609, MedGen C1838244, MONDO:0010870, OMIM 600334.

Allele frequency attached by ClinVar (database versions not stated): gnomAD below 0.00001 and 0.00003; TOPMed 0.00001; 1000 Genomes Project 30x 0.00016; 1000 Genomes Project 0.00020.

Submissions (9):

Labcorp Genetics (formerly Invitae), Labcorp
Classification: Likely benign for Dilated cardiomyopathy 1G; Autosomal recessive limb-girdle muscular dystrophy type 2J. Last evaluated: 2025-11-09. Review status: criteria provided, single submitter. Criteria: Invitae Variant Classification Sherloc (09022015). Collection method: clinical testing. Allele origin: germline.

GeneDx
Classification: Uncertain significance. Last evaluated: 2020-11-04. Review status: criteria provided, single submitter. Criteria: GeneDx Variant Classification Process June 2021. Collection method: clinical testing. Allele origin: germline. Affected: yes.
Comment: Has not been previously published as pathogenic or benign to our knowledge; In silico analysis, which includes splice predictors and evolutionary conservation, suggests this variant may impact gene splicing. In the absence of RNA/functional studies, the actual effect of this sequence change is unknown.

Ambry Genetics
Classification: Likely benign for Cardiovascular phenotype. Last evaluated: 2020-09-18. Review status: criteria provided, single submitter. Criteria: Ambry Variant Classification Scheme 2023. Collection method: clinical testing. Allele origin: germline.

Revvity Omics, Revvity
Classification: Uncertain significance. Last evaluated: 2019-02-13. Review status: criteria provided, single submitter. Criteria: ACMG Guidelines, 2015. Collection method: clinical testing. Allele origin: germline.

Illumina Laboratory Services, Illumina
Classification: Uncertain significance for Autosomal recessive limb-girdle muscular dystrophy type 2J. Last evaluated: 2018-01-13. Review status: criteria provided, single submitter. Criteria: ICSL Variant Classification Criteria 13 December 2019. Collection method: clinical testing. Allele origin: germline.

Illumina Laboratory Services, Illumina
Classification: Uncertain significance for Dilated cardiomyopathy 1G. Last evaluated: 2018-01-13. Review status: criteria provided, single submitter. Criteria: ICSL Variant Classification Criteria 13 December 2019. Collection method: clinical testing. Allele origin: germline.

Illumina Laboratory Services, Illumina
Classification: Benign for Tibial muscular dystrophy. Last evaluated: 2018-01-13. Review status: criteria provided, single submitter. Criteria: ICSL Variant Classification Criteria 13 December 2019. Collection method: clinical testing. Allele origin: germline.
Comment: This variant was observed in the ICSL laboratory as part of a predisposition screen in an ostensibly healthy population. It had not been previously curated by ICSL or reported in the Human Gene Mutation Database (HGMD: prior to June 1st, 2018), and was therefore a candidate for classification through an automated scoring system. Utilizing variant allele frequency, disease prevalence and penetrance estimates, and inheritance mode, an automated score was calculated to assess if this variant is too frequent to cause the disease. Based on the score and internal cut-off values, a variant classified as benign is not then subjected to further curation. The score for this variant resulted in a classification of benign for this disease.

Illumina Laboratory Services, Illumina
Classification: Benign for Myopathy, myofibrillar, 9, with early respiratory failure. Last evaluated: 2018-01-13. Review status: criteria provided, single submitter. Criteria: ICSL Variant Classification Criteria 13 December 2019. Collection method: clinical testing. Allele origin: germline.
Comment: the same text as in the submission from Illumina Laboratory Services, Illumina above.

Illumina Laboratory Services, Illumina
Classification: Uncertain significance for Early-onset myopathy with fatal cardiomyopathy. Last evaluated: 2018-01-13. Review status: criteria provided, single submitter. Criteria: ICSL Variant Classification Criteria 13 December 2019. Collection method: clinical testing. Allele origin: germline.

NM_001267550.2(TTN):c.54037G>T (p.Ala18013Ser)

Genes: TTN (titin; minus strand), TTN-AS1 (TTN antisense RNA 1; plus strand). Cytogenetic location: 2q31.2.
Variant type: single nucleotide variant.
Coding change: c.54037G>T on transcript NM_001267550.2 (MANE Select); coding-DNA position 54037, G replaced by T.
Protein change: p.Ala18013Ser; replaces alanine 18013 with serine.
Molecular consequence: missense variant. On other transcripts: non-coding transcript variant (1).
Genome position (GRCh38, 1-based): chr2:178,605,140, C>A on the plus strand (G>T on the coding strand, the complement: TTN is on the minus strand). VCF-style: chr2-178605140-C-A. GRCh37 (hg19) VCF-style: chr2-179469867-C-A.
Other names: c.49114G>T, p.Ala16372Ser (NM_001256850.1); c.26842G>T, p.Ala8948Ser (NM_003319.4); c.46333G>T, p.Ala15445Ser (NM_133378.4); c.27217G>T, p.Ala9073Ser (NM_133432.3); c.27418G>T, p.Ala9140Ser (NM_133437.4); short protein forms A15445S, A18013S, A16372S, A8948S, A9073S, A9140S.
Identifiers: ClinVar variation 332834 (VCV000332834.21), dbSNP rs531242797, ClinGen allele CA1993706.